The following is an entry in ClinVar:

ClinVar aggregate classification (germline): Uncertain significance. Review status: criteria provided, single submitter (1 of 4 stars). 2 submissions from 2 submitters: Uncertain significance (1). 1 of the submissions does not count toward it. Last evaluated 2024-10-20.

Conditions:
MAGEL2-related disorder. Also called: MAGEL2-related condition.

gnomAD v4.1: 10 of 1,533,736 alleles (0.00065%); highest among the groups gnomAD compares: African/African-American, 0.013%; no homozygotes.

Submissions (2):

Labcorp Genetics (formerly Invitae), Labcorp
Classification: Uncertain significance. Last evaluated: 2024-10-20. Review status: criteria provided, single submitter. Criteria: Invitae Variant Classification Sherloc (09022015). Collection method: clinical testing. Allele origin: germline.
Comment: This sequence change replaces proline, which is neutral and non-polar, with serine, which is neutral and polar, at codon 321 of the MAGEL2 protein (p.Pro321Ser). This variant is present in population databases (rs529951835, gnomAD 0.02%). This variant has not been reported in the literature in individuals affected with MAGEL2-related conditions. Experimental studies and prediction algorithms are not available or were not evaluated, and the functional significance of this variant is currently unknown. In summary, the available evidence is currently insufficient to determine the role of this variant in disease. Therefore, it has been classified as a Variant of Uncertain Significance.

PreventionGenetics, part of Exact Sciences
Classification: Uncertain significance for MAGEL2-related condition. Last evaluated: 2024-03-05. Review status: no assertion criteria provided. Collection method: clinical testing. Allele origin: germline. Not counted in ClinVar's aggregate classification.
Comment: The MAGEL2 c.961C>T variant is predicted to result in the amino acid substitution p.Pro321Ser. To our knowledge, this variant has not been reported in the literature. This variant is reported in 0.015% of alleles in individuals of African descent in gnomAD. Although we suspect that this variant may be benign, at this time, the clinical significance of this variant is uncertain due to the absence of conclusive functional and genetic evidence.

NM_019066.5(MAGEL2):c.961C>T (p.Pro321Ser)

Gene: MAGEL2 (MAGE family member L2; minus strand). Cytogenetic location: 15q11.2.
Variant type: single nucleotide variant.
Coding change: c.961C>T on transcript NM_019066.5 (MANE Select); coding-DNA position 961, C replaced by T.
Protein change: p.Pro321Ser; replaces proline 321 with serine.
Molecular consequence: missense variant.
Genome position (GRCh38, 1-based): chr15:23,646,782, G>A on the plus strand (C>T on the coding strand, the complement: MAGEL2 is on the minus strand). VCF-style: chr15-23646782-G-A. GRCh37 (hg19) VCF-style: chr15-23891929-G-A.
Other names: short protein forms P321S.
Identifiers: ClinVar variation 3352994 (VCV003352994.3).
Genomic context (GRCh38, chr15:23,646,782, plus strand): 5'-GGATTTGCAGGATCAGAGGCTGAGCCTGCGGGGCCCAAGAAGCCATCGGCTGTGCAGGTG[G>A]GGCCATCGGCTGTGCAGGTGGGGCCGCCGGCTGTGCCATCGGTGCTCCTGAAGCTGGAGG-3'
Protein context (NP_061939.3, residues 311-331): PAAPPAQPMA[Pro321Ser]PAQPMASWAP